The following is an entry in ClinVar:

NM_001843.4(CNTN1):c.1694A>G (p.Asn565Ser)

Gene: CNTN1 (contactin 1; plus strand). Cytogenetic location: 12q12.
Variant type: single nucleotide variant.
Coding change: c.1694A>G on transcript NM_001843.4 (MANE Select); coding-DNA position 1694, A replaced by G.
Protein change: p.Asn565Ser; replaces asparagine 565 with serine.
Molecular consequence: missense variant.
Genome position (GRCh38, 1-based): chr12:40,959,124, A>G. VCF-style: chr12-40959124-A-G. GRCh37 (hg19) VCF-style: chr12-41352926-A-G.
Other names: c.1694A>G (NM_001843.2); c.1694A>G, p.Asn565Ser (NM_001256063.2, NM_001256064.2); c.1661A>G, p.Asn554Ser (NM_175038.2); short protein forms N565S, N554S.
Identifiers: ClinVar variation 958920 (VCV000958920.9), dbSNP rs747622764, ClinGen allele CA6516916.

ClinVar aggregate classification (germline): Uncertain significance. Review status: criteria provided, multiple submitters, no conflicts (2 of 4 stars). 2 submissions from 2 submitters: Uncertain significance (2). Last evaluated 2024-02-12.

Conditions:
Inborn genetic diseases. Identifiers: MedGen C0950123, MeSH D030342.
Compton-North congenital myopathy (CMYO12). Identifiers: Orphanet 210163, MedGen C2675527, MONDO:0012929, OMIM 612540.

Allele frequency attached by ClinVar (database versions not stated): gnomAD below 0.00001 and 0.00001; TOPMed below 0.00001; gnomAD exomes 0.00003 and 0.00007; ExAC 0.00010.
gnomAD v4.1: 47 of 1,612,402 alleles (0.0029%); highest among the groups gnomAD compares: South Asian, 0.041%; 1 homozygote.

Submissions (2):

Ambry Genetics
Classification: Uncertain significance for Inborn genetic diseases. Last evaluated: 2024-02-12. Review status: criteria provided, single submitter. Criteria: Ambry Variant Classification Scheme 2023. Collection method: clinical testing. Allele origin: germline.

Labcorp Genetics (formerly Invitae), Labcorp
Classification: Uncertain significance for Compton-North congenital myopathy. Last evaluated: 2023-10-13. Review status: criteria provided, single submitter. Criteria: Invitae Variant Classification Sherloc (09022015). Collection method: clinical testing. Allele origin: germline.
Comment: This sequence change replaces asparagine, which is neutral and polar, with serine, which is neutral and polar, at codon 565 of the CNTN1 protein (p.Asn565Ser). This variant is present in population databases (rs747622764, gnomAD 0.05%). This variant has not been reported in the literature in individuals affected with CNTN1-related conditions. ClinVar contains an entry for this variant (Variation ID: 958920). Advanced modeling of protein sequence and biophysical properties (such as structural, functional, and spatial information, amino acid conservation, physicochemical variation, residue mobility, and thermodynamic stability) performed at Invitae indicates that this missense variant is not expected to disrupt CNTN1 protein function. In summary, the available evidence is currently insufficient to determine the role of this variant in disease. Therefore, it has been classified as a Variant of Uncertain Significance.